The following is an entry in ClinVar:

NM_015231.3(NUP160):c.2465A>G (p.Glu822Gly)

Gene: NUP160 (nucleoporin 160; minus strand). Cytogenetic location: 11p11.2.
Variant type: single nucleotide variant.
Coding change: c.2465A>G on transcript NM_015231.3 (MANE Select); coding-DNA position 2465, A replaced by G.
Protein change: p.Glu822Gly; replaces glutamic acid 822 with glycine.
Molecular consequence: missense variant. On other transcripts: non-coding transcript variant (1).
Genome position (GRCh38, 1-based): chr11:47,806,192, T>C on the plus strand (A>G on the coding strand, the complement: NUP160 is on the minus strand). VCF-style: chr11-47806192-T-C. GRCh37 (hg19) VCF-style: chr11-47827744-T-C.
Other names: short protein forms E822G.
Identifiers: ClinVar variation 1917647 (VCV001917647.5), dbSNP rs1209358779, ClinGen allele CA380378389.

ClinVar aggregate classification (germline): Uncertain significance (1 of 4 stars; one submission).

Allele frequency attached by ClinVar (database versions not stated): gnomAD exomes 0.00002.
gnomAD v4.1: 10 of 1,614,166 alleles (0.00062%); highest among the groups gnomAD compares: East Asian, 0.022%; no homozygotes.

Submission:

Labcorp Genetics (formerly Invitae), Labcorp
Classification: Uncertain significance. Last evaluated: 2022-03-19. Review status: criteria provided, single submitter. Criteria: Invitae Variant Classification Sherloc (09022015). Collection method: clinical testing. Allele origin: germline.
Comment: In summary, the available evidence is currently insufficient to determine the role of this variant in disease. Therefore, it has been classified as a Variant of Uncertain Significance. This sequence change replaces glutamic acid, which is acidic and polar, with glycine, which is neutral and non-polar, at codon 856 of the NUP160 protein (p.Glu856Gly). This variant is present in population databases (no rsID available, gnomAD 0.02%). This variant has not been reported in the literature in individuals affected with NUP160-related conditions. Algorithms developed to predict the effect of missense changes on protein structure and function are either unavailable or do not agree on the potential impact of this missense change (SIFT: "Not Available"; PolyPhen-2: "Benign"; Align-GVGD: "Not Available").